The following is an entry in ClinVar:

ClinVar aggregate classification (germline): Uncertain significance (1 of 4 stars; one submission).

Submission:

Ambry Genetics
Classification: Uncertain significance. Last evaluated: 2021-07-09. Review status: criteria provided, single submitter. Criteria: Ambry Variant Classification Scheme 2023. Collection method: clinical testing. Allele origin: germline.
Comment: The p.Q1442R variant (also known as c.4325A>G), located in coding exon 34 of the PRKDC gene, results from an A to G substitution at nucleotide position 4325. The glutamine at codon 1442 is replaced by arginine, an amino acid with highly similar properties. This amino acid position is conserved. Since supporting evidence is limited at this time, the clinical significance of this alteration remains unclear.

NM_006904.7(PRKDC):c.4325A>G (p.Gln1442Arg)

Gene: PRKDC (protein kinase, DNA-activated, catalytic subunit; minus strand). Cytogenetic location: 8q11.21.
Variant type: single nucleotide variant.
Coding change: c.4325A>G on transcript NM_006904.7 (MANE Select); coding-DNA position 4325, A replaced by G.
Protein change: p.Gln1442Arg; replaces glutamine 1442 with arginine.
Molecular consequence: missense variant.
Genome position (GRCh38, 1-based): chr8:47,888,606, T>C on the plus strand (A>G on the coding strand, the complement: PRKDC is on the minus strand). VCF-style: chr8-47888606-T-C. GRCh37 (hg19) VCF-style: chr8-48801167-T-C.
Other names: c.4325A>G, p.Gln1442Arg (NM_001081640.2); short protein forms Q1442R.
Identifiers: ClinVar variation 1739727 (VCV001739727.2), dbSNP rs2551873582, ClinGen allele CA371145803.